The following is an entry in ClinVar:

ClinVar aggregate classification (germline): Uncertain significance (1 of 4 stars; one submission).

Conditions:
Hereditary spastic paraplegia 28. Also called: Spastic paraplegia 28, autosomal recessive. Identifiers: Orphanet 101008, MedGen C1836295, MONDO:0012256, OMIM 609340.

Allele frequency attached by ClinVar (database versions not stated): gnomAD exomes below 0.00001.
gnomAD v4.1: 2 of 1,613,236 alleles (0.00012%); highest among the groups gnomAD compares: Non-Finnish European, 0.00017%; no homozygotes.

Submission:

Labcorp Genetics (formerly Invitae), Labcorp
Classification: Uncertain significance for Hereditary spastic paraplegia 28. Last evaluated: 2022-08-04. Review status: criteria provided, single submitter. Criteria: Invitae Variant Classification Sherloc (09022015). Collection method: clinical testing. Allele origin: germline.
Comment: This variant is not present in population databases (gnomAD no frequency). This sequence change replaces leucine, which is neutral and non-polar, with proline, which is neutral and non-polar, at codon 197 of the DDHD1 protein (p.Leu197Pro). This variant has not been reported in the literature in individuals affected with DDHD1-related conditions. In summary, the available evidence is currently insufficient to determine the role of this variant in disease. Therefore, it has been classified as a Variant of Uncertain Significance. Algorithms developed to predict the effect of missense changes on protein structure and function are either unavailable or do not agree on the potential impact of this missense change (SIFT: "Tolerated"; PolyPhen-2: "Probably Damaging"; Align-GVGD: "Class C0").

NM_001160148.2(DDHD1):c.590T>C (p.Leu197Pro)

Gene: DDHD1 (DDHD domain containing 1; minus strand). Cytogenetic location: 14q22.1.
Variant type: single nucleotide variant.
Coding change: c.590T>C on transcript NM_001160148.2 (MANE Select); coding-DNA position 590, T replaced by C.
Protein change: p.Leu197Pro; replaces leucine 197 with proline.
Molecular consequence: missense variant.
Genome position (GRCh38, 1-based): chr14:53,152,509, A>G on the plus strand (T>C on the coding strand, the complement: DDHD1 is on the minus strand). VCF-style: chr14-53152509-A-G. GRCh37 (hg19) VCF-style: chr14-53619227-A-G.
Other names: c.590T>C, p.Leu197Pro (NM_001160147.2, NM_030637.3); short protein forms L197P.
Identifiers: ClinVar variation 2181680 (VCV002181680.2), dbSNP rs978717532, ClinGen allele CA261383488.